The following is an entry in ClinVar:

ClinVar aggregate classification (germline): Uncertain significance (1 of 4 stars; one submission).

Allele frequency attached by ClinVar (database versions not stated): gnomAD exomes below 0.00001; ExAC 0.00002; gnomAD 0.00004; TOPMed 0.00004.
gnomAD v4.1: 10 of 1,614,006 alleles (0.00062%); highest among the groups gnomAD compares: African/African-American, 0.013%; no homozygotes.

Submission:

Labcorp Genetics (formerly Invitae), Labcorp
Classification: Uncertain significance. Last evaluated: 2023-11-19. Review status: criteria provided, single submitter. Criteria: Invitae Variant Classification Sherloc (09022015). Collection method: clinical testing. Allele origin: germline.
Comment: This sequence change replaces proline, which is neutral and non-polar, with leucine, which is neutral and non-polar, at codon 1303 of the ERBIN protein (p.Pro1303Leu). This variant is present in population databases (rs776214286, gnomAD 0.02%). This variant has not been reported in the literature in individuals affected with ERBIN-related conditions. An algorithm developed to predict the effect of missense changes on protein structure and function (PolyPhen-2) suggests that this variant is likely to be tolerated. In summary, the available evidence is currently insufficient to determine the role of this variant in disease. Therefore, it has been classified as a Variant of Uncertain Significance.

NM_001253697.2(ERBIN):c.3908C>T (p.Pro1303Leu)

Gene: ERBIN (erbb2 interacting protein; plus strand). Cytogenetic location: 5q12.3.
Variant type: single nucleotide variant.
Coding change: c.3908C>T on transcript NM_001253697.2 (MANE Select); coding-DNA position 3908, C replaced by T.
Protein change: p.Pro1303Leu; replaces proline 1303 with leucine.
Molecular consequence: missense variant. On other transcripts: intron variant (1).
Genome position (GRCh38, 1-based): chr5:66,075,175, C>T. VCF-style: chr5-66075175-C-T. GRCh37 (hg19) VCF-style: chr5-65371003-C-T.
Other names: c.3785C>T, p.Pro1262Leu (NM_001253698.2, NM_018695.4); c.3929C>T, p.Pro1310Leu (NM_001253699.2); c.3773C>T, p.Pro1258Leu (NM_001253701.2); c.3634-1141C>T (NM_001006600.3); short protein forms P1258L, P1303L, P1310L, P1262L.
Identifiers: ClinVar variation 3004796 (VCV003004796.3), dbSNP rs776214286, ClinGen allele CA3286748.